The following is an entry in ClinVar:

ClinVar aggregate classification (germline): Uncertain significance (1 of 4 stars; one submission).

Submission:

Labcorp Genetics (formerly Invitae), Labcorp
Classification: Uncertain significance. Last evaluated: 2024-11-04. Review status: criteria provided, single submitter. Criteria: Invitae Variant Classification Sherloc (09022015). Collection method: clinical testing. Allele origin: germline.
Comment: This sequence change replaces alanine, which is neutral and non-polar, with valine, which is neutral and non-polar, at codon 23 of the CAPN1 protein (p.Ala23Val). This variant is not present in population databases (gnomAD no frequency). This variant has not been reported in the literature in individuals affected with CAPN1-related conditions. ClinVar contains an entry for this variant (Variation ID: 2083694). An algorithm developed to predict the effect of missense changes on protein structure and function (PolyPhen-2) suggests that this variant is likely to be tolerated. In summary, the available evidence is currently insufficient to determine the role of this variant in disease. Therefore, it has been classified as a Variant of Uncertain Significance.

NM_005186.4(CAPN1):c.68C>T (p.Ala23Val)

Gene: CAPN1 (calpain 1; plus strand). Cytogenetic location: 11q13.1.
Variant type: single nucleotide variant.
Coding change: c.68C>T on transcript NM_005186.4 (MANE Select); coding-DNA position 68, C replaced by T.
Protein change: p.Ala23Val; replaces alanine 23 with valine.
Molecular consequence: missense variant. On other transcripts: non-coding transcript variant (1).
Genome position (GRCh38, 1-based): chr11:65,182,769, C>T. VCF-style: chr11-65182769-C-T. GRCh37 (hg19) VCF-style: chr11-64950240-C-T.
Other names: c.68C>T, p.Ala23Val (NM_001198868.2, NM_001198869.2); c.-24C>T (NM_001198870.1); short protein forms A23V.
Identifiers: ClinVar variation 2083694 (VCV002083694.4), dbSNP rs2137305477, ClinGen allele CA381240159.